The following is an entry in ClinVar:

NM_212482.4(FN1):c.1286A>G (p.His429Arg)

Genes: FN1 (fibronectin 1; minus strand), LOC126806498 (CDK7 strongly-dependent group 2 enhancer GRCh37_chr2:216288045-216289244; plus strand). Cytogenetic location: 2q35.
Variant type: single nucleotide variant.
Coding change: c.1286A>G on transcript NM_212482.4 (MANE Select); coding-DNA position 1286, A replaced by G.
Protein change: p.His429Arg; replaces histidine 429 with arginine.
Molecular consequence: missense variant.
Genome position (GRCh38, 1-based): chr2:215,423,457, T>C on the plus strand (A>G on the coding strand, the complement: FN1 is on the minus strand). VCF-style: chr2-215423457-T-C. GRCh37 (hg19) VCF-style: chr2-216288180-T-C.
Other names: c.1286A>G, p.His429Arg (NM_001306129.2, NM_001306130.2, NM_001306131.2 and 14 more transcripts); short protein forms H429R.
Identifiers: ClinVar variation 4807364 (VCV004807364.1).
Genomic context (GRCh38, chr2:215,423,457, plus strand): 5'-GTGGTCCCACACCACTTCATGTTGTCTCTTCTGCCCTCAGAAGTGCAATCAGTGTAATTG[T>C]GGTTGTTGTATAGGAAGGGGAAGTGGCACAAGGCACCATTGGAATTTCCTCCTCGAGTCT-3'
Protein context (NP_997647.2, residues 419-439): LCHFPFLYNN[His429Arg]NYTDCTSEGR

ClinVar aggregate classification (germline): Uncertain significance (1 of 4 stars; one submission).

gnomAD v4.1: 2 of 1,614,238 alleles (0.00012%); highest among the groups gnomAD compares: Non-Finnish European, 0.00017%; no homozygotes.

Submission:

Labcorp Genetics (formerly Invitae), Labcorp
Classification: Uncertain significance. Last evaluated: 2025-11-25. Review status: criteria provided, single submitter. Criteria: Invitae Variant Classification Sherloc (09022015). Collection method: clinical testing. Allele origin: germline.
Comment: This sequence change replaces histidine, which is basic and polar, with arginine, which is basic and polar, at codon 429 of the FN1 protein (p.His429Arg). This variant is not present in population databases (gnomAD no frequency). This variant has not been reported in the literature in individuals affected with FN1-related conditions. An algorithm developed to predict the effect of missense changes on protein structure and function outputs the following: PolyPhen-2: "Benign". The arginine amino acid residue is found in multiple mammalian species, which suggests that this missense change does not adversely affect protein function. In summary, the available evidence is currently insufficient to determine the role of this variant in disease. Therefore, it has been classified as a Variant of Uncertain Significance.